The following is an entry in ClinVar:

ClinVar aggregate classification (germline): Uncertain significance (1 of 4 stars; one submission).

Allele frequency attached by ClinVar (database versions not stated): gnomAD exomes 0.00001; TOPMed 0.00001; ExAC 0.00002.
gnomAD v4.1: 3 of 1,614,190 alleles (0.00019%); highest among the groups gnomAD compares: Admixed American, 0.005%; no homozygotes.

Submission:

Women's Health and Genetics/Laboratory Corporation of America, LabCorp
Classification: Uncertain significance. Last evaluated: 2023-09-08. Review status: criteria provided, single submitter. Criteria: LabCorp Variant Classification Summary - May 2015. Collection method: clinical testing. Allele origin: germline.
Comment: Variant summary: ARHGAP31 c.2785G>A (p.Ala929Thr) results in a non-conservative amino acid change in the encoded protein sequence. Four of five in-silico tools predict a benign effect of the variant on protein function. The variant allele was found at a frequency of 1.2e-05 in 249214 control chromosomes (gnomAD). The available data on variant occurrences in the general population are insufficient to allow any conclusion about variant significance. To our knowledge, no occurrence of c.2785G>A in individuals affected with Adams-Oliver Syndrome 1 and no experimental evidence demonstrating its impact on protein function have been reported. No submitters have cited clinical-significance assessments for this variant to ClinVar after 2014. Based on the evidence outlined above, the variant was classified as uncertain significance.

NM_020754.4(ARHGAP31):c.2785G>A (p.Ala929Thr)

Gene: ARHGAP31 (Rho GTPase activating protein 31; plus strand). Cytogenetic location: 3q13.33.
Variant type: single nucleotide variant.
Coding change: c.2785G>A on transcript NM_020754.4 (MANE Select); coding-DNA position 2785, G replaced by A.
Protein change: p.Ala929Thr; replaces alanine 929 with threonine.
Molecular consequence: missense variant.
Genome position (GRCh38, 1-based): chr3:119,414,714, G>A. VCF-style: chr3-119414714-G-A. GRCh37 (hg19) VCF-style: chr3-119133561-G-A.
Other names: short protein forms A929T.
Identifiers: ClinVar variation 2627174 (VCV002627174.1), dbSNP rs775386716, ClinGen allele CA2554096.
Genomic context (GRCh38, chr3:119,414,714, plus strand): 5'-GAGGAACCCCAGTGGGTGACGAGTCCCCTTCACTCTCCCACCCTGAAAGACGCGCACAAG[G>A]CCCAGGTACAGGGCCTTCAGGGTCACCAGTTGGAGAAGAGGCTTTCCCACAGGCCCAGCC-3'
Protein context (NP_065805.2, residues 919-939): HSPTLKDAHK[Ala929Thr]QVQGLQGHQL